The following is an entry in ClinVar:

ClinVar aggregate classification (germline): Uncertain significance (1 of 4 stars; one submission).

Submission:

Ambry Genetics
Classification: Uncertain significance. Last evaluated: 2025-08-20. Review status: criteria provided, single submitter. Criteria: Ambry Variant Classification Scheme 2023. Collection method: clinical testing. Allele origin: germline.
Comment: The p.V2180A variant (also known as c.6539T>C), located in coding exon 28 of the WNK2 gene, results from a T to C substitution at nucleotide position 6539. The valine at codon 2180 is replaced by alanine, an amino acid with similar properties. This amino acid position is conserved. In addition, this alteration is predicted to be tolerated by in silico analysis. Based on the available evidence, the clinical significance of this variant remains unclear.

NM_006648.4(WNK2):c.6539T>C (p.Val2180Ala)

Gene: WNK2 (WNK lysine deficient protein kinase 2; plus strand). Cytogenetic location: 9q22.31.
Variant type: single nucleotide variant.
Coding change: c.6539T>C on transcript NM_006648.4 (MANE Select); coding-DNA position 6539, T replaced by C.
Protein change: p.Val2180Ala; replaces valine 2180 with alanine.
Molecular consequence: missense variant.
Genome position (GRCh38, 1-based): chr9:93,317,542, T>C. VCF-style: chr9-93317542-T-C. GRCh37 (hg19) VCF-style: chr9-96079824-T-C.
Other names: c.6650T>C, p.Val2217Ala (NM_001282394.3); short protein forms V2180A, V2217A.
Identifiers: ClinVar variation 4201790 (VCV004201790.1).